The following is an entry in ClinVar:

NM_001370259.2(MEN1):c.292del (p.Arg98fs)

Gene: MEN1 (menin 1; minus strand). Cytogenetic location: 11q13.1.
Variant type: Deletion.
Coding change: c.292del on transcript NM_001370259.2 (MANE Select); coding-DNA position 292, one base deleted (C; older notation c.292delC).
Protein change: p.Arg98fs; shifts the reading frame from arginine 98.
Molecular consequence: frameshift variant. On other transcripts: non-coding transcript variant (4).
Genome position (GRCh38, 1-based): chr11:64,809,818, G deleted on the plus strand (C on the coding strand, the reverse complement: MEN1 is on the minus strand); the first of 2 consecutive G bases (chr11:64,809,818-64,809,819); deleting either gives the same sequence. VCF-style (leftmost placement, unchanged base first): chr11-64809817-CG-C. GRCh37 (hg19) VCF-style: chr11-64577289-CG-C.
Other names: c.292del, p.Arg98fs (NM_001407148.1, NM_001407149.1, NM_001407150.1 and 20 more transcripts); c.291delC, p.Arg98Glufs (NM_130799.2); c.292del (NM_130799.2); c.292delC (NM_130799.2); short protein forms R98fs.
Identifiers: ClinVar variation 3394958 (VCV003394958.2).

ClinVar aggregate classification (germline): Pathogenic. Review status: criteria provided, multiple submitters, no conflicts (2 of 4 stars). 2 submissions from 2 submitters: Pathogenic (2). Last evaluated 2024-08-26.

Conditions:
Hereditary cancer-predisposing syndrome. Also called: Hereditary Cancer Syndrome; Hereditary neoplastic syndrome; Neoplastic Syndromes, Hereditary; Tumor predisposition. Identifiers: Orphanet 140162, MedGen C0027672, MeSH D009386, MONDO:0015356.
Multiple endocrine neoplasia, type 1 (MEN1). Also called: MEN I; WERMER SYNDROME; Endocrine adenomatosis multiple; MEN 1; MEA I. Identifiers: Orphanet 652, MedGen C0025267, MeSH D018761, MONDO:0007540, OMIM 131100.

Submissions (2):

Ambry Genetics
Classification: Pathogenic for Hereditary cancer-predisposing syndrome. Last evaluated: 2024-08-26. Review status: criteria provided, single submitter. Criteria: Ambry Variant Classification Scheme 2023. Collection method: clinical testing. Allele origin: germline.
Comment: The c.292delC pathogenic mutation, located in coding exon 1 of the MEN1 gene, results from a deletion of one nucleotide at nucleotide position 292, causing a translational frameshift with a predicted alternate stop codon (p.R98Efs*21). This variant was reported in multiple individuals who met clinical criteria for multiple endocrine neoplasia type 1 (Concolino P et al. Clin Chem Lab Med. 2008;46:824-6; Lin KY et al. J Clin Endocrinol Metab. 2023 Nov;108:e1532-e1541; Ambry internal data). This variant is considered to be rare based on population cohorts in the Genome Aggregation Database (gnomAD). This alteration is expected to result in loss of function by premature protein truncation or nonsense-mediated mRNA decay. As such, this alteration is interpreted as a disease-causing mutation.

Department of Pathology and Laboratory Medicine, Sinai Health System
Classification: Pathogenic for Multiple endocrine neoplasia, type 1. Last evaluated: 2024-03-28. Review status: criteria provided, single submitter. Criteria: ACMG Guidelines, 2015. Collection method: clinical testing. Allele origin: germline. Affected: yes.

Literature cited by the submitters: PubMed 18601604 (cited by Ambry Genetics and Department of Pathology and Laboratory Medicine, Sinai Health System); PubMed 37390813 (cited by Ambry Genetics).